The following is an entry in ClinVar:

ClinVar aggregate classification (germline): Uncertain significance (1 of 4 stars; one submission).

Conditions:
Inborn genetic diseases. Identifiers: MedGen C0950123, MeSH D030342.

gnomAD v4.1: 38 of 1,613,704 alleles (0.0024%); highest among the groups gnomAD compares: Non-Finnish European, 0.0031%; no homozygotes.

Submission:

Ambry Genetics
Classification: Uncertain significance for Inborn genetic diseases. Last evaluated: 2019-10-15. Review status: criteria provided, single submitter. Criteria: Ambry Variant Classification Scheme 2023. Collection method: clinical testing. Allele origin: germline.
Comment: The p.A322D variant (also known as c.965C>A), located in coding exon 8 of the SLC25A46 gene, results from a C to A substitution at nucleotide position 965. The alanine at codon 322 is replaced by aspartic acid, an amino acid with dissimilar properties. This amino acid position is well conserved in available vertebrate species. In addition, this alteration is predicted to be deleterious by in silico analysis. Since supporting evidence is limited at this time, the clinical significance of this alteration remains unclear.

NM_138773.4(SLC25A46):c.965C>A (p.Ala322Asp)

Gene: SLC25A46 (solute carrier family 25 member 46; plus strand). Cytogenetic location: 5q22.1.
Variant type: single nucleotide variant.
Coding change: c.965C>A on transcript NM_138773.4 (MANE Select); coding-DNA position 965, C replaced by A.
Protein change: p.Ala322Asp; replaces alanine 322 with aspartic acid.
Molecular consequence: missense variant. On other transcripts: non-coding transcript variant (1).
Genome position (GRCh38, 1-based): chr5:110,761,490, C>A. VCF-style: chr5-110761490-C-A. GRCh37 (hg19) VCF-style: chr5-110097190-C-A.
Other names: c.722C>A, p.Ala241Asp (NM_001303249.3); c.692C>A, p.Ala231Asp (NM_001303250.3); short protein forms A241D, A231D, A322D.
Identifiers: ClinVar variation 1767688 (VCV001767688.2), dbSNP rs759534592, ClinGen allele CA360696579.